The following is an entry in ClinVar:

NM_145046.5(CALR3):c.1053A>C (p.Glu351Asp)

Gene: CALR3 (calreticulin 3; minus strand). Cytogenetic location: 19p13.11.
Variant type: single nucleotide variant.
Coding change: c.1053A>C on transcript NM_145046.5 (MANE Select); coding-DNA position 1053, A replaced by C.
Protein change: p.Glu351Asp; replaces glutamic acid 351 with aspartic acid.
Molecular consequence: missense variant.
Genome position (GRCh38, 1-based): chr19:16,479,233, T>G on the plus strand (A>C on the coding strand, the complement: CALR3 is on the minus strand). VCF-style: chr19-16479233-T-G. GRCh37 (hg19) VCF-style: chr19-16590044-T-G.
Other names: short protein forms E351D.
Identifiers: ClinVar variation 3682039 (VCV003682039.2).

ClinVar aggregate classification (germline): Uncertain significance (1 of 4 stars; one submission).

Conditions:
Hypertrophic cardiomyopathy 19. Also called: Familial hypertrophic cardiomyopathy 19. Identifiers: MedGen CN077603, MONDO:0013476.

Submission:

Labcorp Genetics (formerly Invitae), Labcorp
Classification: Uncertain significance for Hypertrophic cardiomyopathy 19. Last evaluated: 2024-06-15. Review status: criteria provided, single submitter. Criteria: Invitae Variant Classification Sherloc (09022015). Collection method: clinical testing. Allele origin: germline.
Comment: This sequence change replaces glutamic acid, which is acidic and polar, with aspartic acid, which is acidic and polar, at codon 351 of the CALR3 protein (p.Glu351Asp). This variant is not present in population databases (gnomAD no frequency). This variant has not been reported in the literature in individuals affected with CALR3-related conditions. Advanced modeling of protein sequence and biophysical properties (such as structural, functional, and spatial information, amino acid conservation, physicochemical variation, residue mobility, and thermodynamic stability) performed at Invitae indicates that this missense variant is not expected to disrupt CALR3 protein function with a negative predictive value of 80%. In summary, the available evidence is currently insufficient to determine the role of this variant in disease. Therefore, it has been classified as a Variant of Uncertain Significance.